The following is an entry in ClinVar:

ClinVar aggregate classification (germline): Conflicting classifications of pathogenicity. Review status: criteria provided, conflicting classifications (1 of 4 stars). 5 submissions from 5 submitters: Uncertain significance (4); Likely benign (1). Last evaluated 2025-11-07.

Conditions:
RASopathy. Also called: rasopathies; Noonan spectrum disorder. Identifiers: Orphanet 536391, MedGen C5555857, MONDO:0021060.
Cardiovascular phenotype. Identifiers: MedGen CN230736.

Allele frequency attached by ClinVar (database versions not stated): gnomAD exomes below 0.00001; ExAC 0.00001; gnomAD 0.00001; TOPMed 0.00001; ESP Exome Variant Server 0.00008.
gnomAD v4.1: 56 of 1,614,062 alleles (0.0035%); highest among the groups gnomAD compares: Non-Finnish European, 0.0046%; no homozygotes.

Submissions (5):

Ambry Genetics
Classification: Uncertain significance for Cardiovascular phenotype. Last evaluated: 2025-11-07. Review status: criteria provided, single submitter. Criteria: Ambry Variant Classification Scheme 2023. Collection method: clinical testing. Allele origin: germline.
Comment: The p.M350I variant (also known as c.1050G>T), located in coding exon 9 of the RAF1 gene, results from a G to T substitution at nucleotide position 1050. The methionine at codon 350 is replaced by isoleucine, an amino acid with highly similar properties. This amino acid position is not well conserved in available vertebrate species. In addition, the in silico prediction for this alteration is inconclusive. Since supporting evidence is limited at this time, the clinical significance of this alteration remains unclear.

Labcorp Genetics (formerly Invitae), Labcorp
Classification: Uncertain significance for RASopathy. Last evaluated: 2025-08-06. Review status: criteria provided, single submitter. Criteria: Invitae Variant Classification Sherloc (09022015). Collection method: clinical testing. Allele origin: germline.
Comment: This sequence change replaces methionine, which is neutral and non-polar, with isoleucine, which is neutral and non-polar, at codon 350 of the RAF1 protein (p.Met350Ile). This variant is present in population databases (rs368860450, gnomAD 0.0009%). This variant has not been reported in the literature in individuals affected with RAF1-related conditions. ClinVar contains an entry for this variant (Variation ID: 1195431). Invitae Evidence Modeling incorporating data from in vitro experimental studies (internal data) indicates that this missense variant is not expected to disrupt RAF1 function with a negative predictive value of 95%. In summary, the available evidence is currently insufficient to determine the role of this variant in disease. Therefore, it has been classified as a Variant of Uncertain Significance.

Molecular Diagnostic Laboratory for Inherited Cardiovascular Disease, Montreal Heart Institute
Classification: Likely benign. Last evaluated: 2025-04-09. Review status: criteria provided, single submitter. Criteria: ACMG Guidelines, 2015. Collection method: clinical testing. Allele origin: germline. Affected: no.
Comment: PP2, BS1, BP4

Women's Health and Genetics/Laboratory Corporation of America, LabCorp
Classification: Uncertain significance. Last evaluated: 2024-02-12. Review status: criteria provided, single submitter. Criteria: LabCorp Variant Classification Summary - May 2015. Collection method: clinical testing. Allele origin: germline.
Comment: Variant summary: RAF1 c.1050G>T (p.Met350Ile) results in a conservative amino acid change located in the Protein kinase domain (IPR000719) of the encoded protein sequence. Three of five in-silico tools predict a benign effect of the variant on protein function. The variant allele was found at a frequency of 4e-06 in 251442 control chromosomes (gnomAD). The available data on variant occurrences in the general population are insufficient to allow any conclusion about variant significance. To our knowledge, no occurrence of c.1050G>T in individuals affected with Noonan Syndrome and no experimental evidence demonstrating its impact on protein function have been reported. ClinVar contains an entry for this variant (Variation ID: 1195431). Based on the evidence outlined above, the variant was classified as uncertain significance.

GeneDx
Classification: Uncertain significance. Last evaluated: 2019-04-18. Review status: criteria provided, single submitter. Criteria: GeneDx Variant Classification Process June 2021. Collection method: clinical testing. Allele origin: germline. Affected: yes.
Comment: Has not been previously published as pathogenic or benign to our knowledge; Missense variants in this gene are often considered pathogenic (Stenson et al., 2014); In silico analysis, which includes protein predictors and evolutionary conservation, supports that this variant does not alter protein structure/function

NM_002880.4(RAF1):c.1050G>T (p.Met350Ile)

Gene: RAF1 (Raf-1 proto-oncogene, serine/threonine kinase; minus strand). Cytogenetic location: 3p25.2.
Variant type: single nucleotide variant.
Coding change: c.1050G>T on transcript NM_002880.4 (MANE Select); coding-DNA position 1050, G replaced by T.
Protein change: p.Met350Ile; replaces methionine 350 with isoleucine.
Molecular consequence: missense variant. On other transcripts: non-coding transcript variant (3).
Genome position (GRCh38, 1-based): chr3:12,599,749, C>A on the plus strand (G>T on the coding strand, the complement: RAF1 is on the minus strand). VCF-style: chr3-12599749-C-A. GRCh37 (hg19) VCF-style: chr3-12641248-C-A.
Other names: c.1110G>T, p.Met370Ile (NM_001354689.3); c.1050G>T, p.Met350Ile (NM_001354690.3); c.807G>T, p.Met269Ile (NM_001354691.3, NM_001354692.3); c.951G>T, p.Met317Ile (NM_001354693.3); c.867G>T, p.Met289Ile (NM_001354694.3); c.708G>T, p.Met236Ile (NM_001354695.3); short protein forms M236I, M269I, M289I, M317I, M350I, M370I.
Identifiers: ClinVar variation 1195431 (VCV001195431.14), dbSNP rs368860450, ClinGen allele CA2259592.